The following is an entry in ClinVar:

NM_001164508.2(NEB):c.18262-3C>T

Gene: NEB (nebulin; minus strand). Cytogenetic location: 2q23.3.
Variant type: single nucleotide variant.
Coding change: c.18262-3C>T on transcript NM_001164508.2 (MANE Select); 3 bases into the intron before coding-DNA position 18262, C replaced by T.
Molecular consequence: intron variant.
Genome position (GRCh38, 1-based): chr2:151,565,608, G>A on the plus strand (C>T on the coding strand, the complement: NEB is on the minus strand). VCF-style: chr2-151565608-G-A. GRCh37 (hg19) VCF-style: chr2-152422122-G-A.
Other names: c.13159-3C>T (NM_004543.5); c.18262-3C>T (NM_001164507.2, NM_001271208.2).
Identifiers: ClinVar variation 2161081 (VCV002161081.3), dbSNP rs2552192535, ClinGen allele CA2580064004.

ClinVar aggregate classification (germline): Uncertain significance (1 of 4 stars; one submission).

Conditions:
Nemaline myopathy 2 (NEM2). Also called: Nemaline myopathy 2, autosomal recessive. Identifiers: MedGen C1850569, MONDO:0009725, OMIM 256030.

gnomAD v4.1: 6 of 1,579,846 alleles (0.00038%); no homozygotes.

Submission:

Labcorp Genetics (formerly Invitae), Labcorp
Classification: Uncertain significance for Nemaline myopathy 2. Last evaluated: 2024-07-29. Review status: criteria provided, single submitter. Criteria: Invitae Variant Classification Sherloc (09022015). Collection method: clinical testing. Allele origin: germline.
Comment: This sequence change falls in intron 115 of the NEB gene. It does not directly change the encoded amino acid sequence of the NEB protein. It affects a nucleotide within the consensus splice site. This variant is not present in population databases (gnomAD no frequency). This variant has not been reported in the literature in individuals affected with NEB-related conditions. ClinVar contains an entry for this variant (Variation ID: 2161081). Variants that disrupt the consensus splice site are a relatively common cause of aberrant splicing (PMID: 17576681, 9536098). Algorithms developed to predict the effect of sequence changes on RNA splicing suggest that this variant is not likely to affect RNA splicing. In summary, the available evidence is currently insufficient to determine the role of this variant in disease. Therefore, it has been classified as a Variant of Uncertain Significance.

Literature cited by the submitters: PubMed 17576681; PubMed 9536098.